The following is an entry in ClinVar:

NM_000057.4(BLM):c.1767A>T (p.Glu589Asp)

Gene: BLM (BLM RecQ like helicase; plus strand). Cytogenetic location: 15q26.1.
Variant type: single nucleotide variant.
Coding change: c.1767A>T on transcript NM_000057.4 (MANE Select); coding-DNA position 1767, A replaced by T.
Protein change: p.Glu589Asp; replaces glutamic acid 589 with aspartic acid.
Molecular consequence: missense variant.
Genome position (GRCh38, 1-based): chr15:90,761,140, A>T. VCF-style: chr15-90761140-A-T. GRCh37 (hg19) VCF-style: chr15-91304370-A-T.
Other names: c.1767A>T, p.Glu589Asp (NM_001287246.2, NM_001287247.2); c.642A>T, p.Glu214Asp (NM_001287248.2); short protein forms E214D, E589D.
Identifiers: ClinVar variation 3224034 (VCV003224034.1), dbSNP rs2151158940, ClinGen allele CA393843803.

ClinVar aggregate classification (germline): Uncertain significance (1 of 4 stars; one submission).

Conditions:
Hereditary cancer-predisposing syndrome. Also called: Tumor predisposition; Hereditary neoplastic syndrome; Hereditary Cancer Syndrome; Neoplastic Syndromes, Hereditary. Identifiers: Orphanet 140162, MedGen C0027672, MeSH D009386, MONDO:0015356.

Submission:

Ambry Genetics
Classification: Uncertain significance for Hereditary cancer-predisposing syndrome. Last evaluated: 2024-01-07. Review status: criteria provided, single submitter. Criteria: Ambry Variant Classification Scheme 2023. Collection method: clinical testing. Allele origin: germline.
Comment: The p.E589D variant (also known as c.1767A>T), located in coding exon 6 of the BLM gene, results from an A to T substitution at nucleotide position 1767. The glutamic acid at codon 589 is replaced by aspartic acid, an amino acid with highly similar properties. This amino acid position is conserved. In addition, this alteration is predicted to be tolerated by in silico analysis. Since supporting evidence is limited at this time, the clinical significance of this alteration remains unclear.